The following is an entry in ClinVar:

ClinVar aggregate classification (germline): Conflicting classifications of pathogenicity. Review status: criteria provided, conflicting classifications (1 of 4 stars). 4 submissions from 4 submitters: Uncertain significance (2); Likely benign (1). 1 of the submissions does not count toward it. Last evaluated 2025-10-01.

Conditions:
Sucrase-isomaltase deficiency (CSID). Also called: SI DEFICIENCY; Deficiency of isomaltase; Congenital sucrose isomaltose malabsorption; Sucrose isomaltose enzyme deficiency. Identifiers: Orphanet 35122, MedGen C1283620, MONDO:0009114, OMIM 222900.
SI-related disorder. Also called: SI-related condition.

Allele frequency attached by ClinVar (database versions not stated): gnomAD exomes 0.00002 and 0.00008; gnomAD 0.00003; TOPMed 0.00003; ExAC 0.00007; ESP Exome Variant Server 0.00015.
gnomAD v4.1: 42 of 1,613,728 alleles (0.0026%); highest among the groups gnomAD compares: South Asian, 0.012%; no homozygotes.

Submissions (4):

Labcorp Genetics (formerly Invitae), Labcorp
Classification: Likely benign. Last evaluated: 2025-10-01. Review status: criteria provided, single submitter. Criteria: Invitae Variant Classification Sherloc (09022015). Collection method: clinical testing. Allele origin: germline.

Fulgent Genetics
Classification: Uncertain significance for Sucrase-isomaltase deficiency. Last evaluated: 2024-05-14. Review status: criteria provided, single submitter. Criteria: ACMG Guidelines, 2015. Collection method: clinical testing. Allele origin: germline.

Illumina Laboratory Services, Illumina
Classification: Uncertain significance for Sucrase-isomaltase deficiency. Last evaluated: 2018-01-12. Review status: criteria provided, single submitter. Criteria: ICSL Variant Classification Criteria 13 December 2019. Collection method: clinical testing. Allele origin: germline.

PreventionGenetics, part of Exact Sciences
Classification: Likely benign for SI-related condition. Last evaluated: 2024-01-23. Review status: no assertion criteria provided. Collection method: clinical testing. Allele origin: germline. Not counted in ClinVar's aggregate classification.
Comment: This variant is classified as likely benign based on ACMG/AMP sequence variant interpretation guidelines (Richards et al. 2015 PMID: 25741868, with internal and published modifications).

NM_001041.4(SI):c.453A>G (p.Gln151=)

Gene: SI (sucrase-isomaltase; minus strand). Cytogenetic location: 3q26.1.
Variant type: single nucleotide variant.
Coding change: c.453A>G on transcript NM_001041.4 (MANE Select); coding-DNA position 453, A replaced by G.
Protein change: p.Gln151=; no amino-acid change (glutamine 151 retained).
Molecular consequence: synonymous variant.
Genome position (GRCh38, 1-based): chr3:165,068,752, T>C on the plus strand (A>G on the coding strand, the complement: SI is on the minus strand). VCF-style: chr3-165068752-T-C. GRCh37 (hg19) VCF-style: chr3-164786540-T-C.
Identifiers: ClinVar variation 900783 (VCV000900783.11), dbSNP rs374104171, ClinGen allele CA2691493.
Genomic context (GRCh38, chr3:165,068,752, plus strand): 5'-TTAAATCTTTGGAAACCTTAAAAACCGAACCTTGAACCGGAAACGATTGGGTGTCTGATT[T>C]TGAGTTGTGAAGAGAACACTGTTGATGTCATTTCCAAATAGTGTAGGTGAAGGTATCCTG-3'
Protein context (NP_001032.2, residues 141-161): NDINSVLFTT[Gln151=]NQTPNRFRFK